The following is an entry in ClinVar:

NM_024079.5(ALG8):c.328G>A (p.Val110Ile)

Gene: ALG8 (ALG8 alpha-1,3-glucosyltransferase; minus strand). Cytogenetic location: 11q14.1.
Variant type: single nucleotide variant.
Coding change: c.328G>A on transcript NM_024079.5 (MANE Select); coding-DNA position 328, G replaced by A.
Protein change: p.Val110Ile; replaces valine 110 with isoleucine.
Molecular consequence: missense variant. On other transcripts: 5 prime UTR variant (2), non-coding transcript variant (2).
Genome position (GRCh38, 1-based): chr11:78,124,061, C>T on the plus strand (G>A on the coding strand, the complement: ALG8 is on the minus strand). VCF-style: chr11-78124061-C-T. GRCh37 (hg19) VCF-style: chr11-77835107-C-T.
Other names: c.328G>A, p.Val110Ile (NM_001007027.3, NM_001425220.1, NM_001425221.1 and 14 more transcripts); c.331G>A, p.Val111Ile (NM_001425219.1); c.175G>A, p.Val59Ile (NM_001425226.1, NM_001425235.1, NM_001425236.1); c.127G>A, p.Val43Ile (NM_001425231.1); c.64G>A, p.Val22Ile (NM_001425234.1, NM_001425239.1); c.-185G>A (NM_001425241.1); c.-223G>A (NM_001425242.1); short protein forms V22I, V43I, V110I, V59I, V111I.
Identifiers: ClinVar variation 3574072 (VCV003574072.2).

ClinVar aggregate classification (germline): Uncertain significance. Review status: criteria provided, multiple submitters, no conflicts (2 of 4 stars). 2 submissions from 2 submitters: Uncertain significance (2). Last evaluated 2025-07-20.

Conditions:
ALG8 congenital disorder of glycosylation. Also called: CONGENITAL DISORDER OF GLYCOSYLATION, TYPE Ih; CDG Ih; ALG8-CDG. Identifiers: Orphanet 79325, MedGen C2931002, MONDO:0011969, OMIM 608104.
Polycystic liver disease 3 with or without kidney cysts. Identifiers: MedGen C4693472, MONDO:0054743, OMIM 617874.

gnomAD v4.1: 80 of 1,613,888 alleles (0.005%); highest among the groups gnomAD compares: African/African-American, 0.013%; no homozygotes.

Submissions (2):

Labcorp Genetics (formerly Invitae), Labcorp
Classification: Uncertain significance for ALG8 congenital disorder of glycosylation. Last evaluated: 2025-07-20. Review status: criteria provided, single submitter. Criteria: Invitae Variant Classification Sherloc (09022015). Collection method: clinical testing. Allele origin: germline.
Comment: This sequence change replaces valine, which is neutral and non-polar, with isoleucine, which is neutral and non-polar, at codon 110 of the ALG8 protein (p.Val110Ile). This variant is present in population databases (rs772876605, gnomAD 0.008%). This variant has not been reported in the literature in individuals affected with ALG8-related conditions. ClinVar contains an entry for this variant (Variation ID: 3574072). Invitae Evidence Modeling of protein sequence and biophysical properties (such as structural, functional, and spatial information, amino acid conservation, physicochemical variation, residue mobility, and thermodynamic stability) indicates that this missense variant is expected to disrupt ALG8 protein function with a positive predictive value of 80%. In summary, the available evidence is currently insufficient to determine the role of this variant in disease. Therefore, it has been classified as a Variant of Uncertain Significance.

Fulgent Genetics
Classification: Uncertain significance for ALG8 congenital disorder of glycosylation; Polycystic liver disease 3 with or without kidney cysts. Last evaluated: 2024-01-08. Review status: criteria provided, single submitter. Criteria: ACMG Guidelines, 2015. Collection method: clinical testing. Allele origin: germline.